The following is an entry in ClinVar:

ClinVar aggregate classification (germline): Pathogenic (1 of 4 stars; one submission).

Conditions:
Kabuki syndrome. Also called: Kabuki make-up syndrome; NIIKAWA-KUROKI SYNDROME. Identifiers: Orphanet 2322, MedGen C0796004, MONDO:0016512.

Submission:

Labcorp Genetics (formerly Invitae), Labcorp
Classification: Pathogenic for Kabuki syndrome. Last evaluated: 2021-09-06. Review status: criteria provided, single submitter. Criteria: Invitae Variant Classification Sherloc (09022015). Collection method: clinical testing. Allele origin: germline.
Comment: For these reasons, this variant has been classified as Pathogenic. This variant has not been reported in the literature in individuals affected with KMT2D-related conditions. This variant is not present in population databases (ExAC no frequency). This sequence change creates a premature translational stop signal (p.Leu289*) in the KMT2D gene. It is expected to result in an absent or disrupted protein product. Loss-of-function variants in KMT2D are known to be pathogenic (PMID: 22126750).

Literature cited by the submitters: PubMed 22126750.

NM_003482.4(KMT2D):c.866T>A (p.Leu289Ter)

Gene: KMT2D (lysine methyltransferase 2D; minus strand). Cytogenetic location: 12q13.12.
Variant type: single nucleotide variant.
Coding change: c.866T>A on transcript NM_003482.4 (MANE Select); coding-DNA position 866, T replaced by A.
Protein change: p.Leu289Ter; replaces leucine 289 with a stop codon.
Molecular consequence: nonsense.
Genome position (GRCh38, 1-based): chr12:49,053,295, A>T on the plus strand (T>A on the coding strand, the complement: KMT2D is on the minus strand). VCF-style: chr12-49053295-A-T. GRCh37 (hg19) VCF-style: chr12-49447078-A-T.
Other names: short protein forms L289*.
Identifiers: ClinVar variation 1361050 (VCV001361050.6), dbSNP rs2120694782, ClinGen allele CA384680074.